The following is an entry in ClinVar:

NM_182924.4(MICALL2):c.2316C>T (p.Asp772=)

Gene: MICALL2 (MICAL like 2; minus strand). Cytogenetic location: 7p22.3.
Variant type: single nucleotide variant.
Coding change: c.2316C>T on transcript NM_182924.4 (MANE Select); coding-DNA position 2316, C replaced by T.
Protein change: p.Asp772=; no amino-acid change (aspartic acid 772 retained).
Molecular consequence: synonymous variant.
Genome position (GRCh38, 1-based): chr7:1,437,976, G>A on the plus strand (C>T on the coding strand, the complement: MICALL2 is on the minus strand). VCF-style: chr7-1437976-G-A. GRCh37 (hg19) VCF-style: chr7-1477612-G-A.
Identifiers: ClinVar variation 2657179 (VCV002657179.24), dbSNP rs377450726, ClinGen allele CA4116741.

ClinVar aggregate classification (germline): Likely benign (1 of 4 stars; one submission).

Allele frequency attached by ClinVar (database versions not stated): TOPMed 0.00010; gnomAD 0.00012; ExAC 0.00015; ESP Exome Variant Server 0.00016; 1000 Genomes Project 0.00060; 1000 Genomes Project 30x 0.00062.
gnomAD v4.1: 188 of 1,550,432 alleles (0.012%); highest among the groups gnomAD compares: East Asian, 0.017%; no homozygotes.

Submission:

CeGaT Center for Human Genetics Tuebingen
Classification: Likely benign. Last evaluated: 2023-05-01. Review status: criteria provided, single submitter. Criteria: CeGaT Center For Human Genetics Tuebingen Variant Classification Criteria Version 2. Collection method: clinical testing. Allele origin: germline. Affected: yes. Observed: 1 variant allele.
Comment: MICALL2: BP4, BP7